The following is an entry in ClinVar:

NM_015602.4(TOR1AIP1):c.610G>T (p.Glu204Ter)

Gene: TOR1AIP1 (torsin 1A interacting protein 1; plus strand). Cytogenetic location: 1q25.2.
Variant type: single nucleotide variant.
Coding change: c.610G>T on transcript NM_015602.4 (MANE Select); coding-DNA position 610, G replaced by T.
Protein change: p.Glu204Ter; replaces glutamic acid 204 with a stop codon.
Molecular consequence: nonsense.
Genome position (GRCh38, 1-based): chr1:179,889,369, G>T. VCF-style: chr1-179889369-G-T. GRCh37 (hg19) VCF-style: chr1-179858504-G-T.
Other names: c.613G>T, p.Glu205Ter (NM_001267578.2); short protein forms E204*, E205*.
Identifiers: ClinVar variation 2636209 (VCV002636209.1), dbSNP rs1318942147, ClinGen allele CA343581046.

ClinVar aggregate classification (germline): Likely pathogenic (1 of 4 stars; one submission).

Conditions:
TOR1AIP1-related disorder. Also called: TOR1AIP1-related condition.

Allele frequency attached by ClinVar (database versions not stated): TOPMed 0.00001.
gnomAD v4.1: 1 of 1,603,538 alleles (0.000062%); highest among the groups gnomAD compares: African/African-American, 0.0013%; no homozygotes.

Submission:

PreventionGenetics, part of Exact Sciences
Classification: Likely pathogenic for TOR1AIP1-related condition. Last evaluated: 2022-08-29. Review status: criteria provided, single submitter. Criteria: ACMG Guidelines, 2015. Collection method: clinical testing. Allele origin: germline.
Comment: The TOR1AIP1 c.613G>T variant is predicted to result in premature protein termination (p.Glu205*). To our knowledge, this variant has not been reported in the literature or in a large population database, indicating this variant is rare. Nonsense variants in TOR1AIP1 are expected to be pathogenic. This variant is interpreted as likely pathogenic.